The following is an entry in ClinVar:

ClinVar aggregate classification (germline): Uncertain significance (1 of 4 stars; one submission).

Conditions:
RASopathy. Also called: Noonan spectrum disorder; rasopathies. Identifiers: Orphanet 536391, MedGen C5555857, MONDO:0021060.

Allele frequency attached by ClinVar (database versions not stated): gnomAD exomes below 0.00001.
gnomAD v4.1: 2 of 1,614,100 alleles (0.00012%); highest among the groups gnomAD compares: African/African-American, 0.0013%; no homozygotes.

Submission:

Labcorp Genetics (formerly Invitae), Labcorp
Classification: Uncertain significance for RASopathy. Last evaluated: 2023-11-19. Review status: criteria provided, single submitter. Criteria: Invitae Variant Classification Sherloc (09022015). Collection method: clinical testing. Allele origin: germline.
Comment: This sequence change replaces threonine, which is neutral and polar, with alanine, which is neutral and non-polar, at codon 373 of the BRAF protein (p.Thr373Ala). This variant is not present in population databases (gnomAD no frequency). This variant has not been reported in the literature in individuals affected with BRAF-related conditions. Advanced modeling of protein sequence and biophysical properties (such as structural, functional, and spatial information, amino acid conservation, physicochemical variation, residue mobility, and thermodynamic stability) performed at Invitae indicates that this missense variant is not expected to disrupt BRAF protein function with a negative predictive value of 80%. In summary, the available evidence is currently insufficient to determine the role of this variant in disease. Therefore, it has been classified as a Variant of Uncertain Significance.

NM_004333.6(BRAF):c.1117A>G (p.Thr373Ala)

Genes: BRAF (B-Raf proto-oncogene, serine/threonine kinase; minus strand), LOC126860202 (BRD4-independent group 4 enhancer GRCh37_chr7:140493623-140494822; plus strand). Cytogenetic location: 7q34.
Variant type: single nucleotide variant.
Coding change: c.1117A>G on transcript NM_004333.6 (MANE Select); coding-DNA position 1117, A replaced by G.
Protein change: p.Thr373Ala; replaces threonine 373 with alanine.
Molecular consequence: missense variant.
Genome position (GRCh38, 1-based): chr7:140,794,331, T>C on the plus strand (A>G on the coding strand, the complement: BRAF is on the minus strand). VCF-style: chr7-140794331-T-C. GRCh37 (hg19) VCF-style: chr7-140494131-T-C.
Other names: c.1117A>G, p.Thr373Ala (NM_001354609.2, NM_001374244.1, NM_001374258.1 and 4 more transcripts); c.1126A>G, p.Thr376Ala (NM_001378467.1); c.1015A>G, p.Thr339Ala (NM_001378470.1); c.961A>G, p.Thr321Ala (NM_001378472.1, NM_001378473.1); c.853A>G, p.Thr285Ala (NM_001378475.1); short protein forms T285A, T339A, T373A, T376A, T321A.
Identifiers: ClinVar variation 2697291 (VCV002697291.3), dbSNP rs2536267875, ClinGen allele CA369589727.